The following is an entry in ClinVar:

NM_014672.4(PRORP):c.1454C>T (p.Ala485Val)

Genes: PRORP (protein only RNase P catalytic subunit; plus strand), PRORP-PSMA6 (PRORP-PSMA6 readthrough; plus strand). Cytogenetic location: 14q13.2.
Variant type: single nucleotide variant.
Coding change: c.1454C>T on transcript NM_014672.4 (MANE Select); coding-DNA position 1454, C replaced by T.
Protein change: p.Ala485Val; replaces alanine 485 with valine.
Molecular consequence: missense variant.
Genome position (GRCh38, 1-based): chr14:35,270,430, C>T. VCF-style: chr14-35270430-C-T. GRCh37 (hg19) VCF-style: chr14-35739636-C-T.
Other names: c.1406C>T, p.Ala469Val (NM_001256678.2); c.1169C>T, p.Ala390Val (NM_001256679.2); c.338C>T, p.Ala113Val (NM_001256680.2, NM_001256681.2); short protein forms A485V, A113V, A469V, A390V.
Identifiers: ClinVar variation 638208 (VCV000638208.5), dbSNP rs1169927428, ClinGen allele CA389490807.

ClinVar aggregate classification (germline): Pathogenic/Likely pathogenic. Review status: no assertion criteria provided (0 of 4 stars). 2 submissions from 2 submitters: Pathogenic (1); Likely pathogenic (1). Last evaluated 2024-03-11.

Conditions:
Combined oxidative phosphorylation deficiency 54 (COXPD54). Identifiers: MedGen C5676912, MONDO:0030543, OMIM 619737.
Perrault syndrome 1 (PRLTS1). Also called: GONADAL DYSGENESIS, XX TYPE, WITH DEAFNESS; OVARIAN DYSGENESIS WITH SENSORINEURAL DEAFNESS. Identifiers: Orphanet 2855, Orphanet 642945, MedGen C4551721, MONDO:0009300, OMIM 233400.

Submissions (2):

OMIM
Classification: Pathogenic for COMBINED OXIDATIVE PHOSPHORYLATION DEFICIENCY 54. Last evaluated: 2024-03-11. Review status: no assertion criteria provided. Collection method: literature only. Allele origin: germline.

Dept. of Evolution and Genomic Sciences, University of Manchester
Classification: Likely pathogenic for Perrault syndrome 1. Last evaluated: 2018-10-01. Review status: no assertion criteria provided. Collection method: research. Allele origin: inherited. Inheritance: Autosomal recessive inheritance. Affected: yes.

Literature cited by the submitters: PubMed 34715011 (cited by OMIM).